The following is an entry in ClinVar:

NM_001035.3(RYR2):c.7116-15A>C

Gene: RYR2 (ryanodine receptor 2; plus strand). Cytogenetic location: 1q43.
Variant type: single nucleotide variant.
Coding change: c.7116-15A>C on transcript NM_001035.3 (MANE Select); 15 bases into the intron before coding-DNA position 7116, A replaced by C.
Molecular consequence: intron variant.
Genome position (GRCh38, 1-based): chr1:237,640,882, A>C. VCF-style: chr1-237640882-A-C. GRCh37 (hg19) VCF-style: chr1-237804182-A-C.
Identifiers: ClinVar variation 1620096 (VCV001620096.10), dbSNP rs1558120605, ClinGen allele CA2487423556.

ClinVar aggregate classification (germline): Likely benign. Review status: criteria provided, multiple submitters, no conflicts (2 of 4 stars). 2 submissions from 2 submitters: Likely benign (2). Last evaluated 2024-07-30.

Conditions:
Catecholaminergic polymorphic ventricular tachycardia (CVPT). Also called: Catecholamine-induced polymorphic ventricular tachycardia. Identifiers: Orphanet 3286, MedGen C5574922, MONDO:0017990.
Catecholaminergic polymorphic ventricular tachycardia 1. Also called: VENTRICULAR TACHYCARDIA, CATECHOLAMINERGIC POLYMORPHIC, 1, WITH OR WITHOUT ATRIAL DYSFUNCTION AND/OR DILATED CARDIOMYOPATHY; VENTRICULAR TACHYCARDIA, STRESS-INDUCED POLYMORPHIC 1; RYR2-Related Catecholaminergic Polymorphic Ventricular Tachycardia. Identifiers: Orphanet 3286, MedGen C1631597, MONDO:0011484, OMIM 604772.

Allele frequency attached by ClinVar (database versions not stated): gnomAD exomes below 0.00001.
gnomAD v4.1: 2 of 1,604,854 alleles (0.00012%); highest among the groups gnomAD compares: Non-Finnish European, 0.00017%; no homozygotes.

Submissions (2):

Labcorp Genetics (formerly Invitae), Labcorp
Classification: Likely benign for Catecholaminergic polymorphic ventricular tachycardia 1. Last evaluated: 2024-07-30. Review status: criteria provided, single submitter. Criteria: Invitae Variant Classification Sherloc (09022015). Collection method: clinical testing. Allele origin: germline.

All of Us Research Program, National Institutes of Health
Classification: Likely benign for Catecholaminergic polymorphic ventricular tachycardia. Last evaluated: 2023-12-13. Review status: criteria provided, single submitter. Criteria: ACMG Guidelines, 2015. Collection method: clinical testing. Allele origin: germline. Inheritance: Autosomal dominant inheritance. Observed: 1 variant allele, 1 heterozygote.
Comment: This study involves interpretation of variants in research participants for the purpose of population health screening. Participant phenotype was not available at the time of variant classification. Additional details can be found in publication PMID: 35346344, PMCID: PMC8962531